The following is an entry in ClinVar:

ClinVar aggregate classification (germline): Pathogenic (1 of 4 stars; one submission).

Conditions:
Hereditary cancer-predisposing syndrome. Also called: Neoplastic Syndromes, Hereditary; Tumor predisposition; Hereditary Cancer Syndrome; Hereditary neoplastic syndrome. Identifiers: Orphanet 140162, MedGen C0027672, MeSH D009386, MONDO:0015356.

Submission:

Ambry Genetics
Classification: Pathogenic for Hereditary cancer-predisposing syndrome. Last evaluated: 2016-10-25. Review status: criteria provided, single submitter. Criteria: Ambry Variant Classification Scheme 2023. Collection method: clinical testing. Allele origin: germline.
Comment: The c.836_843delCCATCACC pathogenic mutation, located in coding exon 3 of the PHOX2B gene, results from a deletion of 8 nucleotides at nucleotide positions 836 to 843, causing a translational frameshift with a predicted alternate stop codon. Frameshifts are typically deleterious in nature, and although the alteration is not expected to trigger nonsense-mediated mRNA decay due to its location, it is predicted to result in loss of function by premature protein truncation. As such, this alteration is interpreted as a disease-causing mutation.

NM_003924.4(PHOX2B):c.836_843del (p.Pro279fs)

Gene: PHOX2B (paired like homeobox 2B; minus strand). Cytogenetic location: 4p13.
Variant type: Deletion.
Coding change: c.836_843del on transcript NM_003924.4 (MANE Select); coding-DNA positions 836 to 843, 8 bases deleted (CCATCACC; older notation c.836_843delCCATCACC).
Protein change: p.Pro279fs; shifts the reading frame from proline 279.
Molecular consequence: frameshift variant.
Genome position (GRCh38, 1-based): chr4:41,745,909-41,745,916, GGTGATGG deleted on the plus strand (CCATCACC on the coding strand, the reverse complement: PHOX2B is on the minus strand); deleting any 8 consecutive bases within chr4:41,745,909-41,745,918 gives the same sequence; the c. name uses the placement nearest the transcript's 3' end. VCF-style (leftmost placement, unchanged base first): chr4-41745908-AGGTGATGG-A. GRCh37 (hg19) VCF-style: chr4-41747925-AGGTGATGG-A.
Other names: c.836_843delCCATCACC (NM_003924.3); short protein forms P279fs.
Identifiers: ClinVar variation 1763088 (VCV001763088.2), dbSNP rs2552096778, ClinGen allele CA2580070993.